The following is an entry in ClinVar:

ClinVar aggregate classification (germline): Uncertain significance. Review status: criteria provided, multiple submitters, no conflicts (2 of 4 stars). 2 submissions from 2 submitters: Uncertain significance (2). Last evaluated 2026-03-29.

Conditions:
Hereditary cancer-predisposing syndrome. Also called: Neoplastic Syndromes, Hereditary; Hereditary Cancer Syndrome; Tumor predisposition; Hereditary neoplastic syndrome. Identifiers: Orphanet 140162, MedGen C0027672, MeSH D009386, MONDO:0015356.

Submissions (2):

Ambry Genetics
Classification: Uncertain significance for Hereditary cancer-predisposing syndrome. Last evaluated: 2026-03-29. Review status: criteria provided, single submitter. Criteria: Ambry Variant Classification Scheme 2023. Collection method: clinical testing. Allele origin: germline.
Comment: The p.R2400S variant (also known as c.7200A>C), located in coding exon 48 of the ATM gene, results from an A to C substitution at nucleotide position 7200. The arginine at codon 2400 is replaced by serine, an amino acid with dissimilar properties. This amino acid position is conserved. In addition, this alteration is predicted to be tolerated by in silico analysis. Based on the available evidence, the clinical significance of this variant remains unclear.

GeneDx
Classification: Uncertain significance. Last evaluated: 2018-09-04. Review status: criteria provided, single submitter. Criteria: GeneDx Variant Classification (06012015). Collection method: clinical testing. Allele origin: germline. Affected: yes.
Comment: This variant is denoted ATM c.7200A>C at the cDNA level, p.Arg2400Ser (R2400S) at the protein level, and results in the change of an Arginine to a Serine (AGA>AGC). This variant has not, to our knowledge, been published in the literature as a pathogenic or benign germline variant. ATM Arg2400Ser was not observed in large population cohorts (Lek 2016). This variant is located in the FAT domain (Stracker 2013). In silico analysis, which includes protein predictors and evolutionary conservation, supports that this variant does not alter protein structure/function. Based on currently available evidence, it is unclear whether ATM Arg2400Ser is a pathogenic or benign variant. We consider it to be a variant of uncertain significance.

NM_000051.4(ATM):c.7200A>C (p.Arg2400Ser)

Genes: ATM (ATM serine/threonine kinase; plus strand), C11orf65 (chromosome 11 open reading frame 65; minus strand). Cytogenetic location: 11q22.3.
Variant type: single nucleotide variant.
Coding change: c.7200A>C on transcript NM_000051.4 (MANE Select); coding-DNA position 7200, A replaced by C.
Protein change: p.Arg2400Ser; replaces arginine 2400 with serine.
Molecular consequence: missense variant. On other transcripts: intron variant (2).
Genome position (GRCh38, 1-based): chr11:108,329,131, A>C. VCF-style: chr11-108329131-A-C. GRCh37 (hg19) VCF-style: chr11-108199858-A-C.
Other names: c.7200A>C, p.Arg2400Ser (NM_001351834.2); c.641-20060T>G (NM_001330368.2); c.*38+6089T>G (NM_001351110.2); short protein forms R2400S.
Identifiers: ClinVar variation 418741 (VCV000418741.5), dbSNP rs1060501534, ClinGen allele CA16619227.